The following is an entry in ClinVar:

ClinVar aggregate classification (germline): Likely pathogenic (1 of 4 stars; one submission).

Submission:

Labcorp Genetics (formerly Invitae), Labcorp
Classification: Likely pathogenic. Last evaluated: 2022-12-24. Review status: criteria provided, single submitter. Criteria: Invitae Variant Classification Sherloc (09022015). Collection method: clinical testing. Allele origin: germline.
Comment: In summary, the currently available evidence indicates that the variant is pathogenic, but additional data are needed to prove that conclusively. Therefore, this variant has been classified as Likely Pathogenic. This variant disrupts the triple helix domain of COL2A1. Glycine residues within the Gly-Xaa-Yaa repeats of the triple helix domain are required for the structure and stability of fibrillar collagens (PMID: 7695699, 8218237, 19344236). In COL2A1, variants affecting these glycine residues are significantly enriched in individuals with disease (PMID: 9016532, 17078022) compared to the general population (ExAC). Advanced modeling of protein sequence and biophysical properties (such as structural, functional, and spatial information, amino acid conservation, physicochemical variation, residue mobility, and thermodynamic stability) performed at Invitae indicates that this missense variant is expected to disrupt COL2A1 protein function. This variant has not been reported in the literature in individuals affected with COL2A1-related conditions. This variant is not present in population databases (gnomAD no frequency). This sequence change replaces glycine, which is neutral and non-polar, with arginine, which is basic and polar, at codon 882 of the COL2A1 protein (p.Gly882Arg).

Literature cited by the submitters: PubMed 7695699; PubMed 8218237; PubMed 19344236; PubMed 9016532; PubMed 17078022.

NM_001844.5(COL2A1):c.2644G>C (p.Gly882Arg)

Gene: COL2A1 (collagen type II alpha 1 chain; minus strand). Cytogenetic location: 12q13.11.
Variant type: single nucleotide variant.
Coding change: c.2644G>C on transcript NM_001844.5 (MANE Select); coding-DNA position 2644, G replaced by C.
Protein change: p.Gly882Arg; replaces glycine 882 with arginine.
Molecular consequence: missense variant.
Genome position (GRCh38, 1-based): chr12:47,980,044, C>G on the plus strand (G>C on the coding strand, the complement: COL2A1 is on the minus strand). VCF-style: chr12-47980044-C-G. GRCh37 (hg19) VCF-style: chr12-48373827-C-G.
Other names: c.2437G>C, p.Gly813Arg (NM_033150.3); short protein forms G813R, G882R.
Identifiers: ClinVar variation 2822966 (VCV002822966.3), dbSNP rs2540119803, ClinGen allele CA384544281.